The following is an entry in ClinVar:

NM_000038.6(APC):c.4225C>G (p.Pro1409Ala)

Gene: APC (APC regulator of Wnt signaling pathway; plus strand). Cytogenetic location: 5q22.2.
Variant type: single nucleotide variant.
Coding change: c.4225C>G on transcript NM_000038.6 (MANE Select); coding-DNA position 4225, C replaced by G.
Protein change: p.Pro1409Ala; replaces proline 1409 with alanine.
Molecular consequence: missense variant. On other transcripts: non-coding transcript variant (2).
Genome position (GRCh38, 1-based): chr5:112,839,819, C>G. VCF-style: chr5-112839819-C-G. GRCh37 (hg19) VCF-style: chr5-112175516-C-G.
Other names: c.4225C>G, p.Pro1409Ala (NM_001127510.3, NM_001354895.2, NM_001407450.1); c.4171C>G, p.Pro1391Ala (NM_001127511.3); c.4279C>G, p.Pro1427Ala (NM_001354896.2, NM_001407447.1, NM_001407448.1 and 1 more transcripts); c.4255C>G, p.Pro1419Ala (NM_001354897.2); c.4150C>G, p.Pro1384Ala (NM_001354898.2); c.4141C>G, p.Pro1381Ala (NM_001354899.2); c.4102C>G, p.Pro1368Ala (NM_001354900.2); c.4048C>G, p.Pro1350Ala (NM_001354901.2, NM_001407453.1); and 11 more; short protein forms P1368A, P1381A, P1384A, P1391A, P1399A, P1402A, P1409A, P1419A.
Identifiers: ClinVar variation 3612661 (VCV003612661.2).
Genomic context (GRCh38, chr5:112,839,819, plus strand): 5'-TCTGTCAGTTCACTTGATAGTTTTGAGAGTCGTTCGATTGCCAGCTCCGTTCAGAGTGAA[C>G]CATGCAGTGGAATGGTAAGTGGCATTATAAGCCCCAGTGATCTTCCAGATAGCCCTGGAC-3'
Protein context (NP_000029.2, residues 1399-1419): RSIASSVQSE[Pro1409Ala]CSGMVSGIIS

ClinVar aggregate classification (germline): Uncertain significance (1 of 4 stars; one submission).

Conditions:
Familial adenomatous polyposis 1 (FAP1). Also called: FAMILIAL ADENOMATOUS POLYPOSIS 1, ATTENUATED; POLYPOSIS, ADENOMATOUS INTESTINAL. Identifiers: MedGen C2713442, MONDO:0021056, OMIM 175100. Disease mechanism: loss of function.

gnomAD v4.1: 1 of 1,614,040 alleles (0.000062%); no homozygotes.

Submission:

Labcorp Genetics (formerly Invitae), Labcorp
Classification: Uncertain significance for Familial adenomatous polyposis 1. Last evaluated: 2024-09-28. Review status: criteria provided, single submitter. Criteria: Invitae Variant Classification Sherloc (09022015). Collection method: clinical testing. Allele origin: germline.
Comment: This sequence change replaces proline, which is neutral and non-polar, with alanine, which is neutral and non-polar, at codon 1409 of the APC protein (p.Pro1409Ala). This variant is not present in population databases (gnomAD no frequency). This variant has not been reported in the literature in individuals affected with APC-related conditions. Invitae Evidence Modeling of protein sequence and biophysical properties (such as structural, functional, and spatial information, amino acid conservation, physicochemical variation, residue mobility, and thermodynamic stability) indicates that this missense variant is not expected to disrupt APC protein function with a negative predictive value of 95%. In summary, the available evidence is currently insufficient to determine the role of this variant in disease. Therefore, it has been classified as a Variant of Uncertain Significance.